The following is an entry in ClinVar:

NM_021098.3(CACNA1H):c.4106G>A (p.Gly1369Glu)

Gene: CACNA1H (calcium voltage-gated channel subunit alpha1 H; plus strand). Cytogenetic location: 16p13.3.
Variant type: single nucleotide variant.
Coding change: c.4106G>A on transcript NM_021098.3 (MANE Select); coding-DNA position 4106, G replaced by A.
Protein change: p.Gly1369Glu; replaces glycine 1369 with glutamic acid.
Molecular consequence: missense variant.
Genome position (GRCh38, 1-based): chr16:1,210,854, G>A. VCF-style: chr16-1210854-G-A. GRCh37 (hg19) VCF-style: chr16-1260854-G-A.
Other names: c.4106G>A, p.Gly1369Glu (NM_001005407.2); short protein forms G1369E.
Identifiers: ClinVar variation 1483256 (VCV001483256.8), dbSNP rs372465607, ClinGen allele CA7801149.

ClinVar aggregate classification (germline): Uncertain significance (1 of 4 stars; one submission).

Conditions:
Hyperaldosteronism, familial, type IV (HALD4). Also called: FH IV; ALDOSTERONISM, PRIMARY, AND HYPERTENSION. Identifiers: Orphanet 642671, MedGen C4310756, MONDO:0014875, OMIM 617027.
Idiopathic generalized epilepsy. Also called: EIG; Generalised epilepsy. Identifiers: MedGen C0270850, MONDO:0005579, OMIM 600669.

Allele frequency attached by ClinVar (database versions not stated): gnomAD exomes below 0.00001 and 0.00001; TOPMed 0.00001; gnomAD 0.00001; ExAC 0.00002; ESP Exome Variant Server 0.00008.
gnomAD v4.1: 3 of 1,605,394 alleles (0.00019%); highest among the groups gnomAD compares: Non-Finnish European, 0.00025%; no homozygotes.

Submission:

Labcorp Genetics (formerly Invitae), Labcorp
Classification: Uncertain significance for Idiopathic generalized epilepsy; Hyperaldosteronism, familial, type IV. Last evaluated: 2025-10-29. Review status: criteria provided, single submitter. Criteria: Invitae Variant Classification Sherloc (09022015). Collection method: clinical testing. Allele origin: germline.
Comment: This sequence change replaces glycine, which is neutral and non-polar, with glutamic acid, which is acidic and polar, at codon 1369 of the CACNA1H protein (p.Gly1369Glu). This variant is present in population databases (rs372465607, gnomAD 0.002%). This variant has not been reported in the literature in individuals affected with CACNA1H-related conditions. ClinVar contains an entry for this variant (Variation ID: 1483256). Invitae Evidence Modeling of protein sequence and biophysical properties (such as structural, functional, and spatial information, amino acid conservation, physicochemical variation, residue mobility, and thermodynamic stability) indicates that this missense variant is expected to disrupt CACNA1H protein function with a positive predictive value of 80%. In summary, the available evidence is currently insufficient to determine the role of this variant in disease. Therefore, it has been classified as a Variant of Uncertain Significance.